The following is an entry in ClinVar:

NM_004360.5(CDH1):c.608G>C (p.Gly203Ala)

Gene: CDH1 (cadherin 1; plus strand). Cytogenetic location: 16q22.1.
Variant type: single nucleotide variant.
Coding change: c.608G>C on transcript NM_004360.5 (MANE Select); coding-DNA position 608, G replaced by C.
Protein change: p.Gly203Ala; replaces glycine 203 with alanine.
Molecular consequence: missense variant. On other transcripts: 5 prime UTR variant (2).
Genome position (GRCh38, 1-based): chr16:68,808,769, G>C. VCF-style: chr16-68808769-G-C. GRCh37 (hg19) VCF-style: chr16-68842672-G-C.
Other names: c.608G>C, p.Gly203Ala (NM_001317184.2); c.-1008G>C (NM_001317185.2); c.-1212G>C (NM_001317186.2); short protein forms G203A.
Identifiers: ClinVar variation 2835242 (VCV002835242.3), dbSNP rs753584564, ClinGen allele CA396458002.

ClinVar aggregate classification (germline): Uncertain significance (1 of 4 stars; one submission).

Conditions:
Hereditary diffuse gastric adenocarcinoma (HDGC). Also called: DIFFUSE GASTRIC AND LOBULAR BREAST CANCER SYNDROME. Identifiers: Orphanet 26106, MedGen C1708349, MONDO:0007648, OMIM 137215.

Submission:

Labcorp Genetics (formerly Invitae), Labcorp
Classification: Uncertain significance for Hereditary diffuse gastric adenocarcinoma. Last evaluated: 2025-01-26. Review status: criteria provided, single submitter. Criteria: Invitae Variant Classification Sherloc (09022015). Collection method: clinical testing. Allele origin: germline.
Comment: This sequence change replaces glycine, which is neutral and non-polar, with alanine, which is neutral and non-polar, at codon 203 of the CDH1 protein (p.Gly203Ala). This variant is not present in population databases (gnomAD no frequency). This variant has not been reported in the literature in individuals affected with CDH1-related conditions. ClinVar contains an entry for this variant (Variation ID: 2835242). An algorithm developed to predict the effect of missense changes on protein structure and function (PolyPhen-2) suggests that this variant is likely to be disruptive. In summary, the available evidence is currently insufficient to determine the role of this variant in disease. Therefore, it has been classified as a Variant of Uncertain Significance.